The following is an entry in ClinVar:

NM_000540.3(RYR1):c.9307A>G (p.Ile3103Val)

Gene: RYR1 (ryanodine receptor 1; plus strand). Cytogenetic location: 19q13.2.
Variant type: single nucleotide variant.
Coding change: c.9307A>G on transcript NM_000540.3 (MANE Select); coding-DNA position 9307, A replaced by G.
Protein change: p.Ile3103Val; replaces isoleucine 3103 with valine.
Molecular consequence: missense variant.
Genome position (GRCh38, 1-based): chr19:38,512,318, A>G. VCF-style: chr19-38512318-A-G. GRCh37 (hg19) VCF-style: chr19-39002958-A-G.
Other names: c.9307A>G, p.Ile3103Val (NM_001042723.2); short protein forms I3103V.
Identifiers: ClinVar variation 2803289 (VCV002803289.3), dbSNP rs2514406025, ClinGen allele CA405686700.

ClinVar aggregate classification (germline): Uncertain significance (1 of 4 stars; one submission).

Conditions:
RYR1-related disorder. Also called: RYR1-related condition; RYR1-related disorders. Identifiers: MedGen CN239331.

Submission:

Labcorp Genetics (formerly Invitae), Labcorp
Classification: Uncertain significance for RYR1-related disorder. Last evaluated: 2023-07-09. Review status: criteria provided, single submitter. Criteria: Invitae Variant Classification Sherloc (09022015). Collection method: clinical testing. Allele origin: germline.
Comment: This variant has not been reported in the literature in individuals affected with RYR1-related conditions. In summary, the available evidence is currently insufficient to determine the role of this variant in disease. Therefore, it has been classified as a Variant of Uncertain Significance. Advanced modeling of protein sequence and biophysical properties (such as structural, functional, and spatial information, amino acid conservation, physicochemical variation, residue mobility, and thermodynamic stability) performed at Invitae indicates that this missense variant is not expected to disrupt RYR1 protein function. This variant is not present in population databases (gnomAD no frequency). This sequence change replaces isoleucine, which is neutral and non-polar, with valine, which is neutral and non-polar, at codon 3103 of the RYR1 protein (p.Ile3103Val).